The following is an entry in ClinVar:

ClinVar aggregate classification (germline): Benign. Review status: criteria provided, multiple submitters, no conflicts (2 of 4 stars). 2 submissions from 2 submitters: Benign (2). Last evaluated 2018-01-12.

Conditions:
Fanconi anemia complementation group P. Also called: SLX4-Related Fanconi Anemia. Identifiers: Orphanet 84, MedGen C3469542, MONDO:0013499, OMIM 613951.

Allele frequency attached by ClinVar (database versions not stated): 1000 Genomes Project 0.04133; 1000 Genomes Project 30x 0.04232; TOPMed 0.04653; gnomAD 0.04949 and 0.04971; gnomAD exomes 0.07613.
gnomAD v4.1: 7,644 of 152,862 alleles (5%); highest among the groups gnomAD compares: Admixed American, 6.8%; 248 homozygotes.

Submissions (2):

Illumina Laboratory Services, Illumina
Classification: Benign for Fanconi anemia complementation group P. Last evaluated: 2018-01-12. Review status: criteria provided, single submitter. Criteria: ICSL Variant Classification Criteria 13 December 2019. Collection method: clinical testing. Allele origin: germline.
Comment: This variant was observed in the ICSL laboratory as part of a predisposition screen in an ostensibly healthy population. It had not been previously curated by ICSL or reported in the Human Gene Mutation Database (HGMD: prior to June 1st, 2018), and was therefore a candidate for classification through an automated scoring system. Utilizing variant allele frequency, disease prevalence and penetrance estimates, and inheritance mode, an automated score was calculated to assess if this variant is too frequent to cause the disease. Based on the score and internal cut-off values, a variant classified as benign is not then subjected to further curation. The score for this variant resulted in a classification of benign for this disease.

Breakthrough Genomics
Classification: Benign. Review status: criteria provided, single submitter. Criteria: ACMG Guidelines, 2015. Collection method: not provided. Allele origin: germline. Inheritance: Autosomal recessive inheritance. Affected: yes.

NM_032444.4(SLX4):c.*1004A>G

Gene: SLX4 (SLX4 structure-specific endonuclease subunit; minus strand). Cytogenetic location: 16p13.3.
Variant type: single nucleotide variant.
Coding change: c.*1004A>G on transcript NM_032444.4 (MANE Select); 1004 bases downstream of the stop codon, A replaced by G.
Molecular consequence: 3 prime UTR variant.
Genome position (GRCh38, 1-based): chr16:3,581,338, T>C on the plus strand (A>G on the coding strand, the complement: SLX4 is on the minus strand). VCF-style: chr16-3581338-T-C. GRCh37 (hg19) VCF-style: chr16-3631339-T-C.
Other names: c.*1004A>G (LRG_503t1).
Identifiers: ClinVar variation 319124 (VCV000319124.6), dbSNP rs75773027, ClinGen allele CA10648339.